The following is an entry in ClinVar:

NM_006618.5(KDM5B):c.328T>G (p.Tyr110Asp)

Gene: KDM5B (lysine demethylase 5B; minus strand). Cytogenetic location: 1q32.1.
Variant type: single nucleotide variant.
Coding change: c.328T>G on transcript NM_006618.5 (MANE Select); coding-DNA position 328, T replaced by G.
Protein change: p.Tyr110Asp; replaces tyrosine 110 with aspartic acid.
Molecular consequence: missense variant.
Genome position (GRCh38, 1-based): chr1:202,774,690, A>C on the plus strand (T>G on the coding strand, the complement: KDM5B is on the minus strand). VCF-style: chr1-202774690-A-C. GRCh37 (hg19) VCF-style: chr1-202743818-A-C.
Other names: c.328T>G, p.Tyr110Asp (NM_001314042.2, NM_001347591.2); c.313T>G, p.Tyr105Asp (NM_001399817.1); short protein forms Y105D, Y110D.
Identifiers: ClinVar variation 1710805 (VCV001710805.2), dbSNP rs2527636487, ClinGen allele CA344263969.

ClinVar aggregate classification (germline): Uncertain significance (1 of 4 stars; one submission).

Allele frequency attached by ClinVar (database versions not stated): gnomAD exomes below 0.00001.
gnomAD v4.1: 1 of 1,613,010 alleles (0.000062%); highest among the groups gnomAD compares: Non-Finnish European, 0.000085%; no homozygotes.

Submission:

GeneDx
Classification: Uncertain significance. Last evaluated: 2022-04-11. Review status: criteria provided, single submitter. Criteria: GeneDx Variant Classification Process June 2021. Collection method: clinical testing. Allele origin: germline. Affected: yes.
Comment: Not observed at significant frequency in large population cohorts (gnomAD); In silico analysis supports that this missense variant has a deleterious effect on protein structure/function; Has not been previously published as pathogenic or benign to our knowledge